The following is an entry in ClinVar:

NM_005045.4(RELN):c.7769G>A (p.Arg2590His)

Gene: RELN (reelin; minus strand). Cytogenetic location: 7q22.1.
Variant type: single nucleotide variant.
Coding change: c.7769G>A on transcript NM_005045.4 (MANE Select); coding-DNA position 7769, G replaced by A.
Protein change: p.Arg2590His; replaces arginine 2590 with histidine.
Molecular consequence: missense variant.
Genome position (GRCh38, 1-based): chr7:103,519,416, C>T on the plus strand (G>A on the coding strand, the complement: RELN is on the minus strand). VCF-style: chr7-103519416-C-T. GRCh37 (hg19) VCF-style: chr7-103159863-C-T.
Other names: c.7769G>A, p.Arg2590His (NM_173054.3); short protein forms R2590H.
Identifiers: ClinVar variation 864777 (VCV000864777.9), dbSNP rs541813551, ClinGen allele CA4420660.

ClinVar aggregate classification (germline): Uncertain significance (1 of 4 stars; one submission).

Conditions:
Familial temporal lobe epilepsy 7. Identifiers: Orphanet 101046, MedGen C4225327, MONDO:0014639, OMIM 616436.
Norman-Roberts syndrome (LIS2). Also called: Lissencephaly 2 (Norman-Roberts type). Identifiers: Orphanet 89844, MedGen C0796089, MONDO:0009760, OMIM 257320.

Allele frequency attached by ClinVar (database versions not stated): ExAC 0.00001; gnomAD 0.00001; gnomAD exomes 0.00001; TOPMed 0.00001.
gnomAD v4.1: 13 of 1,613,272 alleles (0.00081%); highest among the groups gnomAD compares: East Asian, 0.0022%; no homozygotes.

Submission:

Labcorp Genetics (formerly Invitae), Labcorp
Classification: Uncertain significance for Familial temporal lobe epilepsy 7; Norman-Roberts syndrome. Last evaluated: 2024-11-03. Review status: criteria provided, single submitter. Criteria: Invitae Variant Classification Sherloc (09022015). Collection method: clinical testing. Allele origin: germline.
Comment: This sequence change replaces arginine, which is basic and polar, with histidine, which is basic and polar, at codon 2590 of the RELN protein (p.Arg2590His). This variant is present in population databases (rs541813551, gnomAD 0.002%). This variant has not been reported in the literature in individuals affected with RELN-related conditions. ClinVar contains an entry for this variant (Variation ID: 864777). Invitae Evidence Modeling of protein sequence and biophysical properties (such as structural, functional, and spatial information, amino acid conservation, physicochemical variation, residue mobility, and thermodynamic stability) indicates that this missense variant is not expected to disrupt RELN protein function with a negative predictive value of 80%. In summary, the available evidence is currently insufficient to determine the role of this variant in disease. Therefore, it has been classified as a Variant of Uncertain Significance.